The following is an entry in ClinVar:

NM_004304.5(ALK):c.776G>T (p.Arg259Leu)

Gene: ALK (ALK receptor tyrosine kinase; minus strand). Cytogenetic location: 2p23.2.
Variant type: single nucleotide variant.
Coding change: c.776G>T on transcript NM_004304.5 (MANE Select); coding-DNA position 776, G replaced by T.
Protein change: p.Arg259Leu; replaces arginine 259 with leucine.
Molecular consequence: missense variant.
Genome position (GRCh38, 1-based): chr2:29,717,589, C>A on the plus strand (G>T on the coding strand, the complement: ALK is on the minus strand). VCF-style: chr2-29717589-C-A. GRCh37 (hg19) VCF-style: chr2-29940455-C-A.
Other names: short protein forms R259L.
Identifiers: ClinVar variation 3524295 (VCV003524295.1).

ClinVar aggregate classification (germline): Uncertain significance (1 of 4 stars; one submission).

Conditions:
Hereditary cancer-predisposing syndrome. Also called: Hereditary Cancer Syndrome; Hereditary neoplastic syndrome; Tumor predisposition; Neoplastic Syndromes, Hereditary. Identifiers: Orphanet 140162, MedGen C0027672, MeSH D009386, MONDO:0015356.

gnomAD v4.1: 1 of 1,613,486 alleles (0.000062%); highest among the groups gnomAD compares: African/African-American, 0.0013%; no homozygotes.

Submission:

Ambry Genetics
Classification: Uncertain significance for Hereditary cancer-predisposing syndrome. Last evaluated: 2024-08-11. Review status: criteria provided, single submitter. Criteria: Ambry Variant Classification Scheme 2023. Collection method: clinical testing. Allele origin: germline.
Comment: The p.R259L variant (also known as c.776G>T), located in coding exon 2 of the ALK gene, results from a G to T substitution at nucleotide position 776. The arginine at codon 259 is replaced by leucine, an amino acid with dissimilar properties. This amino acid position is conserved. In addition, this alteration is predicted to be deleterious by in silico analysis. Based on the available evidence, the clinical significance of this variant remains unclear.